The following is an entry in ClinVar:

NM_198253.3(TERT):c.2018C>G (p.Pro673Arg)

Gene: TERT (telomerase reverse transcriptase; minus strand). Cytogenetic location: 5p15.33.
Variant type: single nucleotide variant.
Coding change: c.2018C>G on transcript NM_198253.3 (MANE Select); coding-DNA position 2018, C replaced by G.
Protein change: p.Pro673Arg; replaces proline 673 with arginine.
Molecular consequence: missense variant. On other transcripts: non-coding transcript variant (2).
Genome position (GRCh38, 1-based): chr5:1,279,403, G>C on the plus strand (C>G on the coding strand, the complement: TERT is on the minus strand). VCF-style: chr5-1279403-G-C. GRCh37 (hg19) VCF-style: chr5-1279518-G-C.
Other names: c.2018C>G, p.Pro673Arg (NM_001193376.3); short protein forms P673R.
Identifiers: ClinVar variation 4865472 (VCV004865472.1).
Genomic context (GRCh38, chr5:1,279,403, plus strand): 5'-AAGGTGCGCCAGGCCCTGTGGATATCGTCCAGGCCCAGCACAGAGGCGCCCAGGAGGCCG[G>C]GGCGCCGCGCCCGCTCGTAGTTGAGCACGCTGAACAGTGCCTTCACCCTCGAGGTGAGAC-3'
Protein context (NP_937983.2, residues 663-683): SVLNYERARR[Pro673Arg]GLLGASVLGL

ClinVar aggregate classification (germline): Uncertain significance (1 of 4 stars; one submission).

Conditions:
Dyskeratosis congenita. Identifiers: Orphanet 1775, MedGen C0265965, MONDO:0015780.

Submission:

Ambry Genetics
Classification: Uncertain significance for Dyskeratosis congenita. Last evaluated: 2026-04-30. Review status: criteria provided, single submitter. Criteria: Ambry Variant Classification Scheme 2023. Collection method: clinical testing. Allele origin: germline.
Comment: The p.P673R variant (also known as c.2018C>G), located in coding exon 5 of the TERT gene, results from a C to G substitution at nucleotide position 2018. The proline at codon 673 is replaced by arginine, an amino acid with dissimilar properties. This amino acid position is conserved. In addition, this alteration is predicted to be deleterious by in silico analysis. Based on the available evidence, the clinical significance of this variant remains unclear.